The following is an entry in ClinVar:

ClinVar aggregate classification (germline): Likely benign (1 of 4 stars; one submission).

Allele frequency attached by ClinVar (database versions not stated): 1000 Genomes Project 0.00359; 1000 Genomes Project 30x 0.00359; TOPMed 0.00538; gnomAD 0.00592; ExAC 0.00663; ESP Exome Variant Server 0.00702.
gnomAD v4.1: 12,980 of 1,406,686 alleles (0.92%); highest among the groups gnomAD compares: Non-Finnish European, 1.1%; 83 homozygotes.

Submission:

CeGaT Center for Human Genetics Tuebingen
Classification: Likely benign. Last evaluated: 2023-03-01. Review status: criteria provided, single submitter. Criteria: CeGaT Center For Human Genetics Tuebingen Variant Classification Criteria Version 2. Collection method: clinical testing. Allele origin: germline. Affected: yes. Observed: 1 variant allele.
Comment: DCLK3: BP4, BS2

NM_001394672.2(DCLK3):c.578G>A (p.Arg193Gln)

Gene: DCLK3 (doublecortin like kinase 3; minus strand). Cytogenetic location: 3p22.2.
Variant type: single nucleotide variant.
Coding change: c.578G>A on transcript NM_001394672.2 (MANE Select); coding-DNA position 578, G replaced by A.
Protein change: p.Arg193Gln; replaces arginine 193 with glutamine.
Molecular consequence: missense variant.
Genome position (GRCh38, 1-based): chr3:36,738,589, C>T on the plus strand (G>A on the coding strand, the complement: DCLK3 is on the minus strand). VCF-style: chr3-36738589-C-T. GRCh37 (hg19) VCF-style: chr3-36780080-C-T.
Other names: c.71G>A, p.Arg24Gln (NM_033403.1); short protein forms R193Q, R24Q.
Identifiers: ClinVar variation 2653655 (VCV002653655.24), dbSNP rs56070233, ClinGen allele CA2305810.